The following is an entry in ClinVar:

ClinVar aggregate classification (germline): Uncertain significance. Review status: criteria provided, multiple submitters, no conflicts (2 of 4 stars). 2 submissions from 2 submitters: Uncertain significance (2). Last evaluated 2024-10-30.

Conditions:
Immunodeficiency-centromeric instability-facial anomalies syndrome 2 (ICF2). Identifiers: Orphanet 2268, MedGen C3279748, MONDO:0013553, OMIM 614069.

Allele frequency attached by ClinVar (database versions not stated): gnomAD 0.00001; TOPMed 0.00001.

Submissions (2):

ARUP Laboratories, Molecular Genetics and Genomics, ARUP Laboratories
Classification: Uncertain significance for Immunodeficiency-centromeric instability-facial anomalies syndrome 2. Last evaluated: 2024-10-30. Review status: criteria provided, single submitter. Criteria: ARUP Molecular Germline Variant Investigation Process 2024. Collection method: clinical testing. Allele origin: germline.
Comment: The ZBTB24 c.1681C>T; p.His561Tyr variant (rs1272192593), to our knowledge, is not reported in the medical literature but is reported in ClinVar (Variation ID: 2191870). This variant is only observed on one allele in the Genome Aggregation Database (v2.1.1), indicating it is not a common polymorphism. Computational analyses are uncertain whether this variant is neutral or deleterious (REVEL: 0.297). Due to limited information, the clinical significance of this variant is uncertain at this time.

Labcorp Genetics (formerly Invitae), Labcorp
Classification: Uncertain significance for Immunodeficiency-centromeric instability-facial anomalies syndrome 2. Last evaluated: 2022-03-28. Review status: criteria provided, single submitter. Criteria: Invitae Variant Classification Sherloc (09022015). Collection method: clinical testing. Allele origin: germline.
Comment: This sequence change replaces histidine, which is basic and polar, with tyrosine, which is neutral and polar, at codon 561 of the ZBTB24 protein (p.His561Tyr). This variant is present in population databases (no rsID available, gnomAD 0.0009%). This variant has not been reported in the literature in individuals affected with ZBTB24-related conditions. Algorithms developed to predict the effect of missense changes on protein structure and function are either unavailable or do not agree on the potential impact of this missense change (SIFT: "Not Available"; PolyPhen-2: "Possibly Damaging"; Align-GVGD: "Not Available"). In summary, the available evidence is currently insufficient to determine the role of this variant in disease. Therefore, it has been classified as a Variant of Uncertain Significance.

NM_014797.3(ZBTB24):c.1681C>T (p.His561Tyr)

Gene: ZBTB24 (zinc finger and BTB domain containing 24; minus strand). Cytogenetic location: 6q21.
Variant type: single nucleotide variant.
Coding change: c.1681C>T on transcript NM_014797.3 (MANE Select); coding-DNA position 1681, C replaced by T.
Protein change: p.His561Tyr; replaces histidine 561 with tyrosine.
Molecular consequence: missense variant.
Genome position (GRCh38, 1-based): chr6:109,466,264, G>A on the plus strand (C>T on the coding strand, the complement: ZBTB24 is on the minus strand). VCF-style: chr6-109466264-G-A. GRCh37 (hg19) VCF-style: chr6-109787467-G-A.
Other names: short protein forms H561Y.
Identifiers: ClinVar variation 2191870 (VCV002191870.2), dbSNP rs1272192593, ClinGen allele CA365195820.